The following is an entry in ClinVar:

ClinVar aggregate classification (germline): Pathogenic. Review status: criteria provided, single submitter (1 of 4 stars). 2 submissions from 2 submitters: Pathogenic (1). 1 of the submissions does not count toward it. Last evaluated 2025-08-09.

Conditions:
Acne inversa, familial, 2 (ACNINV2). Also called: ACNE INVERSA, FAMILIAL, 2, WITH OR WITHOUT DOWLING-DEGOS DISEASE. Identifiers: MedGen C3151037, MONDO:0013397, OMIM 613736.

Submissions (3):

Variantyx, Inc.
Classification: Pathogenic for Acne inversa, familial, 2. Last evaluated: 2025-08-09. Review status: criteria provided, single submitter. Criteria: Variantyx Assertion Criteria 2022. Collection method: clinical testing. Allele origin: germline. Inheritance: Autosomal dominant inheritance. Affected: yes.
Comment: This is a frameshift variant in the PSENEN gene (OMIM: 607632). Pathogenic variants in this gene have been associated with autosomal dominant familial acne inversa 2 with or without Dowling-Degos disease. This variant introduces a premature termination codon in the last exon (exon 4) and is expected to result in protein truncation and loss of function, which is a known disease mechanism for PSENEN in this disorder (PMID: 27900998, 28922471) (PVS1). This variant has been reported in several unrelated affected individuals (PMID: 20929727, 27098992, 35146980) (PS4) and it has been observed to segregate with disease in at least 11 individuals from one family (PMID: 20929727) (PP1). Functional studies have shown that this variant alters PSENEN protein function (PMID: 34330582) (PS3). The maximum allele frequency in non-founder control populations is 0.0002% (PM2). Based on the current evidence, this variant is classified as pathogenic for autosomal dominant familial acne inversa 2 with or without Dowling-Degos disease.

OMIM
Classification: Pathogenic for ACNE INVERSA, FAMILIAL, 2, WITH OR WITHOUT DOWLING-DEGOS DISEASE. Last evaluated: 2010-11-19. Review status: no assertion criteria provided. Collection method: literature only. Allele origin: germline. Not counted in ClinVar's aggregate classification.

Dr. Peter K. Rogan Lab, Western University
No classification provided (evidence only). Condition: Squamous cell lung carcinoma. Review status: no classification provided. Collection method: in vitro. Allele origin: not applicable. Functional consequence: skipped exon. Not counted in ClinVar's aggregate classification.

Literature cited by the submitters: PubMed 27900998 (cited by Variantyx, Inc.); PubMed 28922471 (cited by Variantyx, Inc.); PubMed 20929727 (cited by Variantyx, Inc. and OMIM); PubMed 27098992 (cited by Variantyx, Inc.); PubMed 35146980 (cited by Variantyx, Inc.); PubMed 34330582 (cited by Variantyx, Inc.); PubMed 28601418 (cited by OMIM).

NM_172341.4(PSENEN):c.66del

Gene: PSENEN (presenilin enhancer, gamma-secretase subunit; plus strand). Cytogenetic location: 19q13.12.
Variant type: Deletion.
Coding change: c.66del on transcript NM_172341.4 (MANE Select); coding-DNA position 66, one base deleted (G; older notation c.66delG).
Molecular consequence: splice acceptor variant.
Genome position (GRCh38, 1-based): chr19:35,746,423, G deleted; the last of 6 consecutive G bases (chr19:35,746,418-35,746,423); deleting any one gives the same sequence. VCF-style (leftmost placement, unchanged base first): chr19-35746417-AG-A. GRCh37 (hg19) VCF-style: chr19-36237318-AG-A.
Other names: NC_000019.9:g.36237324del.
Identifiers: ClinVar variation 30681 (VCV000030681.5), dbSNP rs1555738837, ClinGen allele CA645372104.